The following is an entry in ClinVar:

NM_001807.6(CEL):c.1881G>C (p.Pro627=)

Gene: CEL (carboxyl ester lipase; plus strand). Cytogenetic location: 9q34.13.
Variant type: single nucleotide variant.
Coding change: c.1881G>C on transcript NM_001807.6 (MANE Select); coding-DNA position 1881, G replaced by C.
Protein change: p.Pro627=; no amino-acid change (proline 627 retained).
Molecular consequence: synonymous variant.
Genome position (GRCh38, 1-based): chr9:133,071,383, G>C. VCF-style: chr9-133071383-G-C. GRCh37 (hg19) VCF-style: chr9-135946770-G-C.
Identifiers: ClinVar variation 2659674 (VCV002659674.24), dbSNP rs1211060826, ClinGen allele CA467814088.

ClinVar aggregate classification (germline): Likely benign (1 of 4 stars; one submission).

Submission:

CeGaT Center for Human Genetics Tuebingen
Classification: Likely benign. Last evaluated: 2024-08-01. Review status: criteria provided, single submitter. Criteria: CeGaT Center For Human Genetics Tuebingen Variant Classification Criteria Version 2. Collection method: clinical testing. Allele origin: germline. Affected: yes. Observed: 3 variant alleles.
Comment: CEL: PM2:Supporting, BP4, BP7